The following is an entry in ClinVar:

NM_001283009.2(RTEL1):c.3499+2T>C

Genes: RTEL1 (regulator of telomere elongation helicase 1; plus strand), RTEL1-TNFRSF6B (RTEL1-TNFRSF6B readthrough (NMD candidate); plus strand). Cytogenetic location: 20q13.33.
Variant type: single nucleotide variant.
Coding change: c.3499+2T>C on transcript NM_001283009.2 (MANE Select); the canonical splice donor site of the intron after coding-DNA position 3499, T replaced by C.
Molecular consequence: splice donor variant.
Genome position (GRCh38, 1-based): chr20:63,695,223, T>C. VCF-style: chr20-63695223-T-C. GRCh37 (hg19) VCF-style: chr20-62326576-T-C.
Other names: c.2830+2T>C (NM_001283010.1); c.3571+2T>C (NM_032957.5); c.3499+2T>C (NM_016434.4).
Identifiers: ClinVar variation 2949248 (VCV002949248.3), dbSNP rs2517201429, ClinGen allele CA409685553.

ClinVar aggregate classification (germline): Likely pathogenic (1 of 4 stars; one submission).

Conditions:
Dyskeratosis congenita, autosomal recessive 5 (DKCB5). Identifiers: MedGen C3554656, MONDO:0014076, OMIM 615190.
Pulmonary fibrosis and/or bone marrow failure, Telomere-related, 3. Also called: PULMONARY FIBROSIS AND/OR BONE MARROW FAILURE SYNDROME, TELOMERE-RELATED, 3. Identifiers: Orphanet 2032, MedGen C4225346, MONDO:0014613, OMIM 616373.

gnomAD v4.1: 1 of 1,610,836 alleles (0.000062%); highest among the groups gnomAD compares: Non-Finnish European, 0.000085%; no homozygotes.

Submission:

Labcorp Genetics (formerly Invitae), Labcorp
Classification: Likely pathogenic for Dyskeratosis congenita, autosomal recessive 5; Pulmonary fibrosis and/or bone marrow failure, Telomere-related, 3. Last evaluated: 2023-06-24. Review status: criteria provided, single submitter. Criteria: Invitae Variant Classification Sherloc (09022015). Collection method: clinical testing. Allele origin: germline.
Comment: This sequence change affects a donor splice site in intron 33 of the RTEL1 gene. It is expected to disrupt RNA splicing. Variants that disrupt the donor or acceptor splice site typically lead to a loss of protein function (PMID: 16199547), and loss-of-function variants in RTEL1 are known to be pathogenic (PMID: 23453664, 23959892, 25607374). This variant is not present in population databases (gnomAD no frequency). This variant has not been reported in the literature in individuals affected with RTEL1-related conditions. Algorithms developed to predict the effect of sequence changes on RNA splicing suggest that this variant may disrupt the consensus splice site. In summary, the currently available evidence indicates that the variant is pathogenic, but additional data are needed to prove that conclusively. Therefore, this variant has been classified as Likely Pathogenic.

Literature cited by the submitters: PubMed 16199547; PubMed 23453664; PubMed 23959892; PubMed 25607374.